The following is an entry in ClinVar:

ClinVar aggregate classification (germline): Uncertain significance (1 of 4 stars; one submission).

Conditions:
Cardiovascular phenotype. Identifiers: MedGen CN230736.

Submission:

Ambry Genetics
Classification: Uncertain significance for Cardiovascular phenotype. Last evaluated: 2026-05-23. Review status: criteria provided, single submitter. Criteria: Ambry Variant Classification Scheme 2023. Collection method: clinical testing. Allele origin: germline.
Comment: The p.R31G variant (also known as c.91C>G), located in coding exon 1 of the TXNRD2 gene, results from a C to G substitution at nucleotide position 91. The arginine at codon 31 is replaced by glycine, an amino acid with dissimilar properties. This amino acid position is conserved. In addition, this alteration is predicted to be tolerated by in silico analysis. Based on the available evidence, the clinical significance of this variant remains unclear.

NM_006440.5(TXNRD2):c.91C>G (p.Arg31Gly)

Genes: TXNRD2 (thioredoxin reductase 2; minus strand), LOC130066960 (ATAC-STARR-seq lymphoblastoid silent region 13467; plus strand). Cytogenetic location: 22q11.21.
Variant type: single nucleotide variant.
Coding change: c.91C>G on transcript NM_006440.5 (MANE Select); coding-DNA position 91, C replaced by G.
Protein change: p.Arg31Gly; replaces arginine 31 with glycine.
Molecular consequence: missense variant. On other transcripts: non-coding transcript variant (1).
Genome position (GRCh38, 1-based): chr22:19,941,713, G>C on the plus strand (C>G on the coding strand, the complement: TXNRD2 is on the minus strand). VCF-style: chr22-19941713-G-C. GRCh37 (hg19) VCF-style: chr22-19929236-G-C.
Other names: c.91C>G, p.Arg31Gly (NM_001282512.3, NM_001352300.2); short protein forms R31G.
Identifiers: ClinVar variation 4866276 (VCV004866276.1).